The following is an entry in ClinVar:

NM_032043.3(BRIP1):c.3429_3452dup (p.Ala1150_Glu1151insAspGluGluLysAsnAspLeuAla)

Gene: BRIP1 (BRCA1 interacting DNA helicase 1; minus strand). Cytogenetic location: 17q23.2.
Variant type: Duplication.
Coding change: c.3429_3452dup on transcript NM_032043.3 (MANE Select); coding-DNA positions 3429 to 3452, 24 bases duplicated (TGAAGAAAAAAATGACCTAGCTGA).
Protein change: p.Ala1150_Glu1151insAspGluGluLysAsnAspLeuAla.
Genome position (GRCh38, 1-based): chr17:61,683,594-61,683,617, TCAGCTAGGTCATTTTTTTCTTCA duplicated on the plus strand (TGAAGAAAAAAATGACCTAGCTGA on the coding strand, the reverse complement: BRIP1 is on the minus strand); duplicating any 24 consecutive bases within chr17:61,683,594-61,683,619 gives the same sequence; the c. name uses the placement nearest the transcript's 3' end. VCF-style (leftmost placement, unchanged base first): chr17-61683593-T-TTCAGCTAGGTCATTTTTTTCTTCA. GRCh37 (hg19) VCF-style: chr17-59760954-T-TTCAGCTAGGTCATTTTTTTCTTCA.
Identifiers: ClinVar variation 4786098 (VCV004786098.1).

ClinVar aggregate classification (germline): Uncertain significance (1 of 4 stars; one submission).

Conditions:
Fanconi anemia complementation group J. Also called: BRIP1-Related Fanconi Anemia. Identifiers: Orphanet 84, MedGen C1836860, MONDO:0012187, OMIM 609054.
Familial cancer of breast. Also called: BREAST CANCER, FAMILIAL; Hereditary breast cancer; hereditary breast carcinoma. Identifiers: Orphanet 227535, MedGen C0346153, MONDO:0016419, OMIM 114480. Disease mechanism: loss of function.

Submission:

Labcorp Genetics (formerly Invitae), Labcorp
Classification: Uncertain significance for Familial cancer of breast; Fanconi anemia complementation group J. Last evaluated: 2025-09-10. Review status: criteria provided, single submitter. Criteria: Invitae Variant Classification Sherloc (09022015). Collection method: clinical testing. Allele origin: germline.
Comment: This variant, c.3429_3452dup, results in the insertion of 8 amino acid(s) of the BRIP1 protein (p.Asp1143_Ala1150dup), but otherwise preserves the integrity of the reading frame. This variant is not present in population databases (gnomAD no frequency). This variant has not been reported in the literature in individuals affected with BRIP1-related conditions. In summary, the available evidence is currently insufficient to determine the role of this variant in disease. Therefore, it has been classified as a Variant of Uncertain Significance.